The following is an entry in ClinVar:

ClinVar aggregate classification (germline): Uncertain significance (1 of 4 stars; one submission).

Submission:

GeneDx
Classification: Uncertain significance. Last evaluated: 2026-03-25. Review status: criteria provided, single submitter. Criteria: GeneDx Variant Classification Process June 2021. Collection method: clinical testing. Allele origin: germline.
Comment: Not observed at significant frequency in large population cohorts (gnomAD); In silico analysis supports that this missense variant has a deleterious effect on protein structure/function; Has not been previously published as pathogenic or benign to our knowledge

NM_001458.5(FLNC):c.1388C>G (p.Pro463Arg)

Gene: FLNC (filamin C; plus strand). Cytogenetic location: 7q32.1.
Variant type: single nucleotide variant.
Coding change: c.1388C>G on transcript NM_001458.5 (MANE Select); coding-DNA position 1388, C replaced by G.
Protein change: p.Pro463Arg; replaces proline 463 with arginine.
Molecular consequence: missense variant.
Genome position (GRCh38, 1-based): chr7:128,838,780, C>G. VCF-style: chr7-128838780-C-G. GRCh37 (hg19) VCF-style: chr7-128478834-C-G.
Other names: c.1388C>G, p.Pro463Arg (NM_001127487.2); short protein forms P463R.
Identifiers: ClinVar variation 5017095 (VCV005017095.1).